The following is an entry in ClinVar:

ClinVar aggregate classification (germline): Likely benign. Review status: criteria provided, multiple submitters, no conflicts (2 of 4 stars). 3 submissions from 3 submitters: Likely benign (2). 1 of the submissions does not count toward it. Last evaluated 2026-08-01.

Conditions:
UBR1-related disorder. Also called: UBR1-related condition.

Allele frequency attached by ClinVar (database versions not stated): ExAC 0.00001; gnomAD exomes 0.00002; gnomAD 0.00003; TOPMed 0.00003.
gnomAD v4.1: 40 of 1,613,614 alleles (0.0025%); highest among the groups gnomAD compares: Middle Eastern, 0.016%; no homozygotes.

Submissions (3):

CeGaT Center for Human Genetics Tuebingen
Classification: Likely benign. Last evaluated: 2026-08-01. Review status: criteria provided, single submitter. Criteria: CeGaT Center For Human Genetics Tuebingen Variant Classification Criteria Version 2. Collection method: clinical testing. Allele origin: germline. Affected: yes. Observed: 1 variant allele.
Comment: UBR1: BP4, BP7

Labcorp Genetics (formerly Invitae), Labcorp
Classification: Likely benign. Last evaluated: 2026-01-08. Review status: criteria provided, single submitter. Criteria: Invitae Variant Classification Sherloc (09022015). Collection method: clinical testing. Allele origin: germline.

PreventionGenetics, part of Exact Sciences
Classification: Likely benign for UBR1-related condition. Last evaluated: 2020-01-22. Review status: no assertion criteria provided. Collection method: clinical testing. Allele origin: germline. Not counted in ClinVar's aggregate classification.
Comment: This variant is classified as likely benign based on ACMG/AMP sequence variant interpretation guidelines (Richards et al. 2015 PMID: 25741868, with internal and published modifications).

NM_174916.3(UBR1):c.405T>C (p.Asn135=)

Gene: UBR1 (ubiquitin protein ligase E3 component n-recognin 1; minus strand). Cytogenetic location: 15q15.2.
Variant type: single nucleotide variant.
Coding change: c.405T>C on transcript NM_174916.3 (MANE Select); coding-DNA position 405, T replaced by C.
Protein change: p.Asn135=; no amino-acid change (asparagine 135 retained).
Molecular consequence: synonymous variant.
Genome position (GRCh38, 1-based): chr15:43,082,650, A>G on the plus strand (T>C on the coding strand, the complement: UBR1 is on the minus strand). VCF-style: chr15-43082650-A-G. GRCh37 (hg19) VCF-style: chr15-43374848-A-G.
Other names: c.405T>C (NM_174916.2).
Identifiers: ClinVar variation 2904894 (VCV002904894.6), dbSNP rs750126541, ClinGen allele CA7519040.
Genomic context (GRCh38, chr15:43,082,650, plus strand): 5'-GGCCATCAGATTCCTGCTTATTCAGAGGTTATGGTTATATTTTCTTACCTTGTAACGATG[A>G]TTTTTATGAACACTGTCCTGGAAGCAGTCCATACAGAGTACACATGTTGGATCAATTGCA-3'
Protein context (NP_777576.1, residues 125-145): MDCFQDSVHK[Asn135=]HRYKMHTSTG